The following is an entry in ClinVar:

ClinVar aggregate classification (germline): Likely pathogenic (3 of 4 stars; one submission).

Conditions:
Bernard Soulier syndrome (BSS). Also called: GLYCOPROTEIN Ib, PLATELET, DEFICIENCY OF; PLATELET GLYCOPROTEIN Ib DEFICIENCY; VON WILLEBRAND FACTOR RECEPTOR DEFICIENCY; Giant platelet syndrome; Hemorrhagiparous thrombocytic dystrophy; Giant platelet disease. Identifiers: Orphanet 274, MedGen C0005129, MeSH D001606, MONDO:0009276, OMIM 231200.

Submission:

ClinGen Platelet Disorders Variant Curation Expert Panel, ClinGen
Classification: Likely pathogenic for Bernard Soulier syndrome. Last evaluated: 2025-12-16. Review status: reviewed by expert panel. Criteria: ClinGen Platelet ACMG Specifications GP1BA V1.0.0. Collection method: curation. Allele origin: germline. Inheritance: Autosomal recessive inheritance.
Comment: The c.1036C>T (p.Gln346Ter) variant in GP1BA is a nonsense variant that may cause loss of function of the protein, however it is predicted to escape nonsense mediated decay and remove >10% of the protein (PVS1_Strong). At least one patient (Patient 1 in PMID:33553065) with this variant had less than 10% expression of GPIba and GP9 measured by flow cytometry, which is highly specific for Bernard-Soulier syndrome. Additionally, the patient had excessive mucocutaneous bleeding is consistent with Bernard-Soulier syndrome (PP4). The variants were confirmed in trans through parental testing (1 point, PM3). This variant is absent from gnomAD v4.1.0 (PM2_Supporting). In summary, this variant meets the criteria to be classified as Likely Pathogenic for autosomal recessive Bernard-Soulier syndrome based on the ACMG/AMP criteria applied, as specified by the ClinGen PD VCEP: PVS1_Strong, PM3, PP1, PP4 and PM2_Supporting (VCEP specifications version 1).

NM_000173.7(GP1BA):c.1036C>T (p.Gln346Ter)

Gene: GP1BA (glycoprotein Ib platelet subunit alpha; plus strand). Cytogenetic location: 17p13.2.
Variant type: single nucleotide variant.
Coding change: c.1036C>T on transcript NM_000173.7 (MANE Select); coding-DNA position 1036, C replaced by T.
Protein change: p.Gln346Ter; replaces glutamine 346 with a stop codon.
Molecular consequence: nonsense.
Genome position (GRCh38, 1-based): chr17:4,933,640, C>T. VCF-style: chr17-4933640-C-T. GRCh37 (hg19) VCF-style: chr17-4836935-C-T.
Other names: NM_000173.7:c.1036C>T; short protein forms Q346*.
Identifiers: ClinVar variation 4538999 (VCV004538999.1).
Genomic context (GRCh38, chr17:4,933,640, plus strand): 5'-TTCTACTCATGGTCCACTGCTTCTCTAGACAGCCAAATGCCCTCCTCCTTGCATCCAACA[C>T]AAGAATCCACTAAGGAGCAGACCACATTCCCACCTAGATGGACCCCAAATTTCACACTTC-3'